The following is an entry in ClinVar:

ClinVar aggregate classification (germline): Pathogenic (1 of 4 stars; one submission).

Submission:

GeneDx
Classification: Pathogenic. Last evaluated: 2022-04-22. Review status: criteria provided, single submitter. Criteria: GeneDx Variant Classification Process June 2021. Collection method: clinical testing. Allele origin: germline. Affected: yes.
Comment: Nonsense variant predicted to result in protein truncation or nonsense mediated decay in a gene for which loss of function is a known mechanism of disease; Not observed at significant frequency in large population cohorts (gnomAD); Has not been previously published as pathogenic or benign to our knowledge

NM_000526.5(KRT14):c.1194del (p.Glu397_Tyr398insTer)

Gene: KRT14 (keratin 14; minus strand). Cytogenetic location: 17q21.2.
Variant type: Deletion.
Coding change: c.1194del on transcript NM_000526.5 (MANE Select); coding-DNA position 1194, one base deleted (C; older notation c.1194delC).
Protein change: p.Glu397_Tyr398insTer.
Molecular consequence: nonsense.
Genome position (GRCh38, 1-based): chr17:41,583,315, G deleted on the plus strand (C on the coding strand, the reverse complement: KRT14 is on the minus strand). VCF-style (leftmost placement, unchanged base first): chr17-41583314-TG-T. GRCh37 (hg19) VCF-style: chr17-39739566-TG-T.
Other names: c.1194delC (NM_000526.4).
Identifiers: ClinVar variation 503671 (VCV000503671.4), dbSNP rs1555571791, ClinGen allele CA658798831.